The following is an entry in ClinVar:

NM_002907.4(RECQL):c.1584_1585del (p.Arg528fs)

Gene: RECQL (RecQ like helicase; minus strand). Cytogenetic location: 12p12.1.
Variant type: Microsatellite.
Coding change: c.1584_1585del on transcript NM_002907.4 (MANE Select); coding-DNA positions 1584 to 1585, 2 bases deleted (AG; older notation c.1584_1585delAG).
Protein change: p.Arg528fs; shifts the reading frame from arginine 528.
Molecular consequence: frameshift variant.
Genome position (GRCh38, 1-based): chr12:21,471,510-21,471,511, CT deleted on the plus strand (AG on the coding strand, the reverse complement: RECQL is on the minus strand); deleting any 2 consecutive bases within chr12:21,471,510-21,471,514 gives the same sequence; the c. name uses the placement nearest the transcript's 3' end. VCF-style (leftmost placement, unchanged base first): chr12-21471509-ACT-A. GRCh37 (hg19) VCF-style: chr12-21624443-ACT-A.
Other names: c.1584_1585del, p.Arg528fs (NM_032941.3); short protein forms R528fs.
Identifiers: ClinVar variation 1775760 (VCV001775760.3), dbSNP rs2540320876, ClinGen allele CA2580615145.

ClinVar aggregate classification (germline): Uncertain significance. Review status: criteria provided, multiple submitters, no conflicts (2 of 4 stars). 2 submissions from 2 submitters: Uncertain significance (2). Last evaluated 2023-12-28.

Conditions:
RECON progeroid syndrome (RECON). Identifiers: MedGen C5830504, MONDO:0957266, OMIM 620370.

Submissions (2):

Fulgent Genetics
Classification: Uncertain significance for RECON progeroid syndrome. Last evaluated: 2023-12-28. Review status: criteria provided, single submitter. Criteria: ACMG Guidelines, 2015. Collection method: clinical testing. Allele origin: germline.

Ambry Genetics
Classification: Uncertain significance. Last evaluated: 2021-10-18. Review status: criteria provided, single submitter. Criteria: Ambry Variant Classification Scheme 2023. Collection method: clinical testing. Allele origin: germline.
Comment: The c.1584_1585delAG variant, located in coding exon 12 of the RECQL gene, results from a deletion of two nucleotides at nucleotide positions 1584 to 1585, causing a translational frameshift with a predicted alternate stop codon (p.R528Sfs*12). This variant was reported in 0/60,466 breast cancer cases and in 2/53,461 controls (Dorling et al. N Engl J Med. 2021 02;384:428-439). This alteration is expected to result in premature protein truncation or nonsense-mediated mRNA decay. However, the gene-disease association for RECQL is limited. Since supporting evidence is limited at this time, the clinical significance of this alteration remains unclear.

Literature cited by the submitters: PubMed 33471991 (cited by Ambry Genetics).